The following is an entry in ClinVar:

ClinVar aggregate classification (germline): Uncertain significance. Review status: criteria provided, multiple submitters, no conflicts (2 of 4 stars). 3 submissions from 3 submitters: Uncertain significance (3). Last evaluated 2025-03-27.

Conditions:
Hereditary nonpolyposis colorectal neoplasms. Identifiers: MedGen C0009405, MeSH D003123.
Hereditary cancer-predisposing syndrome. Also called: Neoplastic Syndromes, Hereditary; Tumor predisposition; Hereditary Cancer Syndrome; Hereditary neoplastic syndrome. Identifiers: Orphanet 140162, MedGen C0027672, MeSH D009386, MONDO:0015356.
Lynch syndrome. Identifiers: Orphanet 144, MedGen C4552100, MONDO:0005835. Disease mechanism: loss of function.

Submissions (3):

Labcorp Genetics (formerly Invitae), Labcorp
Classification: Uncertain significance for Hereditary nonpolyposis colorectal neoplasms. Last evaluated: 2025-03-27. Review status: criteria provided, single submitter. Criteria: Invitae Variant Classification Sherloc (09022015). Collection method: clinical testing. Allele origin: germline.
Comment: This sequence change replaces proline, which is neutral and non-polar, with serine, which is neutral and polar, at codon 1169 of the MSH6 protein (p.Pro1169Ser). This variant is not present in population databases (gnomAD no frequency). This variant has not been reported in the literature in individuals affected with MSH6-related conditions. ClinVar contains an entry for this variant (Variation ID: 1732107). Invitae Evidence Modeling of protein sequence and biophysical properties (such as structural, functional, and spatial information, amino acid conservation, physicochemical variation, residue mobility, and thermodynamic stability) has been performed for this missense variant. However, the output from this modeling did not meet the statistical confidence thresholds required to predict the impact of this variant on MSH6 protein function. In summary, the available evidence is currently insufficient to determine the role of this variant in disease. Therefore, it has been classified as a Variant of Uncertain Significance.

All of Us Research Program, National Institutes of Health
Classification: Uncertain significance for Lynch syndrome. Last evaluated: 2024-06-09. Review status: criteria provided, single submitter. Criteria: ACMG Guidelines, 2015. Collection method: clinical testing. Allele origin: germline. Inheritance: Autosomal dominant inheritance. Observed: 1 variant allele, 1 heterozygote.
Comment: This missense variant replaces proline with serine at codon 1169 of the MSH6 protein. Computational prediction suggests that this variant may have deleterious impact on protein structure and function (internally defined REVEL score threshold >= 0.7, PMID: 27666373). To our knowledge, functional studies have not been reported for this variant. This variant has not been reported in individuals affected with MSH6-related disorders in the literature. This variant has not been identified in the general population by the Genome Aggregation Database (gnomAD). The available evidence is insufficient to determine the role of this variant in disease conclusively. Therefore, this variant is classified as a Variant of Uncertain Significance.

This study involves interpretation of variants in research participants for the purpose of population health screening. Participant phenotype was not available at the time of variant classification. Additional details can be found in publication PMID: 35346344, PMCID: PMC8962531

Ambry Genetics
Classification: Uncertain significance for Hereditary cancer-predisposing syndrome. Last evaluated: 2023-07-18. Review status: criteria provided, single submitter. Criteria: Ambry Variant Classification Scheme 2023. Collection method: clinical testing. Allele origin: germline.
Comment: The p.P1169S variant (also known as c.3505C>T), located in coding exon 6 of the MSH6 gene, results from a C to T substitution at nucleotide position 3505. The proline at codon 1169 is replaced by serine, an amino acid with similar properties. This amino acid position is highly conserved in available vertebrate species. In addition, this alteration is predicted to be deleterious by in silico analysis. Since supporting evidence is limited at this time, the clinical significance of this alteration remains unclear.

NM_000179.3(MSH6):c.3505C>T (p.Pro1169Ser)

Gene: MSH6 (mutS homolog 6; plus strand). Cytogenetic location: 2p16.3.
Variant type: single nucleotide variant.
Coding change: c.3505C>T on transcript NM_000179.3 (MANE Select); coding-DNA position 3505, C replaced by T.
Protein change: p.Pro1169Ser; replaces proline 1169 with serine.
Molecular consequence: missense variant.
Genome position (GRCh38, 1-based): chr2:47,804,976, C>T. VCF-style: chr2-47804976-C-T. GRCh37 (hg19) VCF-style: chr2-48032115-C-T.
Other names: c.3208C>T, p.Pro1070Ser (NM_001406827.1, NM_001406828.1, NM_001406825.1 and 10 more transcripts); c.3337C>T, p.Pro1113Ser (NM_001406826.1); c.3115C>T, p.Pro1039Ser (NM_001281492.2); c.2599C>T, p.Pro867Ser (NM_001281493.2, NM_001281494.2, NM_001406811.1 and 6 more transcripts); c.3601C>T, p.Pro1201Ser (NM_001406795.1, NM_001406802.1); c.3505C>T, p.Pro1169Ser (NM_001406796.1, NM_001406800.1, NM_001406808.1 and 1 more transcripts); c.3331C>T, p.Pro1111Ser (NM_001406798.1); c.2980C>T, p.Pro994Ser (NM_001406799.1, NM_001406806.1, NM_001406807.1); and 7 more; short protein forms P1039S, P1070S, P1113S, P1143S, P1169S, P1171S, P118S, P867S.
Identifiers: ClinVar variation 1732107 (VCV001732107.5), dbSNP rs904846776, ClinGen allele CA346760179.